The following is an entry in ClinVar:

ClinVar aggregate classification (germline): Uncertain significance (1 of 4 stars; one submission).

Conditions:
Infantile cerebellar-retinal degeneration (ICRD). Identifiers: Orphanet 313850, MedGen C3281192, MONDO:0013802, OMIM 614559.

Submission:

3billion
Classification: Uncertain significance for Infantile cerebellar-retinal degeneration. Last evaluated: 2025-01-13. Review status: criteria provided, single submitter. Criteria: ACMG Guidelines, 2015. Collection method: clinical testing. Allele origin: germline. Affected: yes.
Comment: The variant is not observed in the gnomAD v4.1.0 dataset. Predicted Consequence/Location: Intron variant In silico tools predict the variant to alter splicing and produce an abnormal transcript [SpliceAI: 0.81 (>=0.2, moderate evidence for spliceogenicity)]. Therefore, this variant is classified as VUS according to the recommendation of ACMG/AMP guideline.

NM_001098.3(ACO2):c.1138+1016C>G

Gene: ACO2 (aconitase 2; plus strand). Cytogenetic location: 22q13.2.
Variant type: single nucleotide variant.
Coding change: c.1138+1016C>G on transcript NM_001098.3 (MANE Select); 1016 bases into the intron after coding-DNA position 1138, C replaced by G.
Molecular consequence: intron variant.
Genome position (GRCh38, 1-based): chr22:41,521,292, C>G. VCF-style: chr22-41521292-C-G. GRCh37 (hg19) VCF-style: chr22-41917296-C-G.
Identifiers: ClinVar variation 4293389 (VCV004293389.1).